The following is an entry in ClinVar:

ClinVar aggregate classification (germline): Conflicting classifications of pathogenicity. Review status: criteria provided, conflicting classifications (1 of 4 stars). 9 submissions from 9 submitters: Pathogenic (1); Uncertain significance (8). Last evaluated 2025-04-11.

Conditions:
Cardiovascular phenotype. Identifiers: MedGen CN230736.
Marfan syndrome (MFS). Also called: Marfan syndrome, classic; FBN1-Related Marfan Syndrome; Marfan syndrome type 1; Marfan's syndrome; MARFAN SYNDROME, TYPE I. Identifiers: Orphanet 284963, Orphanet 558, MedGen C0024796, MONDO:0007947, OMIM 154700.
MASS syndrome (OCTD). Also called: OVERLAP CONNECTIVE TISSUE DISEASE; MASS PHENOTYPE. Identifiers: MedGen C1858556, MONDO:0011431, OMIM 604308.
Weill-Marchesani syndrome 2, dominant. Also called: Weill-Marchesani Syndrome, Autosomal Dominant; FBN1-Related Weill-Marchesani Syndrome. Identifiers: Orphanet 2084, MedGen C1869115, MONDO:0012013, OMIM 608328.
Acromicric dysplasia (ACMICD). Also called: Acromicric skeletal dysplasia. Identifiers: Orphanet 969, MedGen C0265287, MONDO:0007055, OMIM 102370.
Ectopia lentis 1, isolated, autosomal dominant (ECTOL1). Identifiers: Orphanet 1885, MedGen C3541518, MONDO:0007514, OMIM 129600.
Stiff skin syndrome (SSKS). Identifiers: Orphanet 2833, MedGen C1861456, MONDO:0008492, OMIM 184900.
Geleophysic dysplasia 2 (GPHYSD2). Identifiers: Orphanet 2623, MedGen C3280054, MONDO:0013612, OMIM 614185.
Progeroid and marfanoid aspect-lipodystrophy syndrome. Also called: MARFANOID-PROGEROID SYNDROME; MARFAN-PROGEROID-LIPODYSTROPHY SYNDROME; Marfan lipodystrophy syndrome; MARFANOID-PROGEROID-LIPODYSTROPHY SYNDROME. Identifiers: Orphanet 300382, MedGen C4310796, MONDO:0014831, OMIM 616914.
Familial thoracic aortic aneurysm and aortic dissection (TAAD). Also called: Thoracic aortic aneurysms and dissections. Identifiers: Orphanet 91387, MedGen C4707243, MONDO:0019625.

Allele frequency attached by ClinVar (database versions not stated): ExAC 0.00001; TOPMed 0.00001; ESP Exome Variant Server 0.00008.
gnomAD v4.1: 13 of 1,614,056 alleles (0.00081%); highest among the groups gnomAD compares: Non-Finnish European, 0.0011%; no homozygotes.

Submissions (9):

Labcorp Genetics (formerly Invitae), Labcorp
Classification: Pathogenic for Marfan syndrome; Familial thoracic aortic aneurysm and aortic dissection. Last evaluated: 2025-04-11. Review status: criteria provided, single submitter. Criteria: Invitae Variant Classification Sherloc (09022015). Collection method: clinical testing. Allele origin: germline.
Comment: This sequence change replaces aspartic acid, which is acidic and polar, with glutamic acid, which is acidic and polar, at codon 1479 of the FBN1 protein (p.Asp1479Glu). This variant is present in population databases (rs370161725, gnomAD 0.002%). This missense change has been observed in individuals with FBN1-related conditions (PMID: 27906200; internal data). ClinVar contains an entry for this variant (Variation ID: 200044). Invitae Evidence Modeling of protein sequence and biophysical properties (such as structural, functional, and spatial information, amino acid conservation, physicochemical variation, residue mobility, and thermodynamic stability) indicates that this missense variant is expected to disrupt FBN1 protein function with a positive predictive value of 95%. For these reasons, this variant has been classified as Pathogenic.

Molecular Diagnostic Laboratory for Inherited Cardiovascular Disease, Montreal Heart Institute
Classification: Uncertain significance for Cardiovascular phenotype. Last evaluated: 2025-04-09. Review status: criteria provided, single submitter. Criteria: ACMG Guidelines, 2015. Collection method: clinical testing. Allele origin: germline. Affected: yes.
Comment: PM1, PP2, PP3

Ambry Genetics
Classification: Uncertain significance for Familial thoracic aortic aneurysm and aortic dissection. Last evaluated: 2025-02-12. Review status: criteria provided, single submitter. Criteria: Ambry Variant Classification Scheme 2023. Collection method: clinical testing. Allele origin: germline.
Comment: The p.D1479E variant (also known as c.4437C>G), located in coding exon 35 of the FBN1 gene, results from a C to G substitution at nucleotide position 4437. The aspartic acid at codon 1479 is replaced by glutamic acid, an amino acid with highly similar properties. This variant was reported in individual(s) with features consistent with Marfan syndrome (Groth KA et al. Genet Med, 2017 Jul;19:772-777; Chen MH et al. J Am Heart Assoc, 2024 Jul;13:e033232; external communication). This amino acid position is highly conserved in available vertebrate species. In addition, this alteration is predicted to be deleterious by in silico analysis. Based on the available evidence, the clinical significance of this variant remains unclear.

Blueprint Genetics
Classification: Uncertain significance. Last evaluated: 2024-10-18. Review status: criteria provided, single submitter. Criteria: ACMG Guidelines, 2015. Collection method: clinical testing. Allele origin: germline.

All of Us Research Program, National Institutes of Health
Classification: Uncertain significance for Marfan syndrome. Last evaluated: 2024-08-23. Review status: criteria provided, single submitter. Criteria: ACMG Guidelines, 2015. Collection method: clinical testing. Allele origin: germline. Inheritance: Autosomal dominant inheritance. Observed: 8 variant alleles, 8 heterozygotes.
Comment: This missense variant replaces aspartic acid with glutamic acid at codon 1479 of the FBN1 protein. Computational prediction tools indicate that this variant's impact on protein structure and function is inconclusive. To our knowledge, functional studies have not been reported for this variant. This variant has been reported in an individual affected with Marfan syndrome (PMID: 12938084) and in an individual affected with isolated thoracic aortic aneurysm (PMID: 38958128). This variant has been identified in 3/251272 chromosomes in the general population by the Genome Aggregation Database (gnomAD). The available evidence is insufficient to determine the role of this variant in disease conclusively. Therefore, this variant is classified as a Variant of Uncertain Significance.

This study involves interpretation of variants in research participants for the purpose of population health screening. Participant phenotype was not available at the time of variant classification. Additional details can be found in publication PMID: 35346344, PMCID: PMC8962531

Color Diagnostics, LLC DBA Color Health
Classification: Uncertain significance for Familial thoracic aortic aneurysm and aortic dissection. Last evaluated: 2024-07-12. Review status: criteria provided, single submitter. Criteria: ACMG Guidelines, 2015. Collection method: clinical testing. Allele origin: germline.
Comment: This missense variant replaces aspartic acid with glutamic acid at codon 1479 of the FBN1 protein. Computational prediction tools indicate that this variant's impact on protein structure and function is inconclusive. To our knowledge, functional studies have not been reported for this variant. This variant has been reported in an individual affected with Marfan syndrome (PMID: 12938084) and in an individual affected with isolated thoracic aortic aneurysm (PMID: 38958128). This variant has been identified in 3/251272 chromosomes in the general population by the Genome Aggregation Database (gnomAD). The available evidence is insufficient to determine the role of this variant in disease conclusively. Therefore, this variant is classified as a Variant of Uncertain Significance.

Women's Health and Genetics/Laboratory Corporation of America, LabCorp
Classification: Uncertain significance. Last evaluated: 2024-05-24. Review status: criteria provided, single submitter. Criteria: LabCorp Variant Classification Summary - May 2015. Collection method: clinical testing. Allele origin: germline.
Comment: Variant summary: FBN1 c.4437C>G (p.Asp1479Glu) results in a conservative amino acid change located in the EGF-like domain (IPR000742) of the encoded protein sequence. This missense change does not involve a Cysteine residue. Cysteine residues are involved in disulfide bonding; introduction or substitution of these residues within the calcium-binding EGF-like domains represent the majority of pathogenic missense changes occurring in Marfan syndrome (Collod-Beroud_2003). Four of five in-silico tools predict a damaging effect of the variant on protein function. The variant allele was found at a frequency of 1.2e-05 in 251272 control chromosomes (gnomAD). The available data on variant occurrences in the general population are insufficient to allow any conclusion about variant significance. c.4437C>G has been reported in individual(s) affected with Marfan syndrome, adolescent idiopathic scoliosis, and spontaneous coronary artery dissection (Groth_2016, Buchan_2014, Zekavat_2022). However, these reports do not provide unequivocal conclusions about association of the variant with FBN1-related conditions. To our knowledge, no experimental evidence demonstrating an impact on protein function has been reported. The following publications have been ascertained in the context of this evaluation (PMID: 12938084, 27906200, 24833718, 35234813). ClinVar contains an entry for this variant (Variation ID: 200044). Based on the evidence outlined above, the variant was classified as uncertain significance.

GeneDx
Classification: Uncertain significance. Last evaluated: 2022-04-01. Review status: criteria provided, single submitter. Criteria: GeneDx Variant Classification Process June 2021. Collection method: clinical testing. Allele origin: germline. Affected: yes.
Comment: Identified in several individuals referred for connective tissue disorder genetic testing at GeneDx, but segregation data are inconclusive thus far; Not observed at a significant frequency in large population cohorts (gnomAD); In silico analysis, which includes protein predictors and evolutionary conservation, supports a deleterious effect; This variant is associated with the following publications: (PMID: 24833718, 27906200, 10612827, 12938084)

Fulgent Genetics
Classification: Uncertain significance for Acromicric dysplasia; Ectopia lentis 1, isolated, autosomal dominant; Marfan syndrome; Stiff skin syndrome; MASS syndrome; Weill-Marchesani syndrome 2, dominant; Geleophysic dysplasia 2; Progeroid and marfanoid aspect-lipodystrophy syndrome. Last evaluated: 2021-11-16. Review status: criteria provided, single submitter. Criteria: ACMG Guidelines, 2015. Collection method: clinical testing. Allele origin: unknown.

Literature cited by the submitters: PubMed 27906200 (cited by 3 submitters); PubMed 38958128 (cited by 3 submitters); PubMed 12938084 (cited by 3 submitters); PubMed 24833718 (cited by Women's Health and Genetics/Laboratory Corporation of America, LabCorp); PubMed 35234813 (cited by Women's Health and Genetics/Laboratory Corporation of America, LabCorp).

NM_000138.5(FBN1):c.4437C>G (p.Asp1479Glu)

Gene: FBN1 (fibrillin 1; minus strand). Cytogenetic location: 15q21.1.
Variant type: single nucleotide variant.
Coding change: c.4437C>G on transcript NM_000138.5 (MANE Select); coding-DNA position 4437, C replaced by G.
Protein change: p.Asp1479Glu; replaces aspartic acid 1479 with glutamic acid.
Molecular consequence: missense variant.
Genome position (GRCh38, 1-based): chr15:48,470,656, G>C on the plus strand (C>G on the coding strand, the complement: FBN1 is on the minus strand). VCF-style: chr15-48470656-G-C. GRCh37 (hg19) VCF-style: chr15-48762853-G-C.
Other names: p.D1479E:GAC>GAG; short protein forms D1479E.
Identifiers: ClinVar variation 200044 (VCV000200044.27), dbSNP rs370161725, ClinGen allele CA015058.
Genomic context (GRCh38, chr15:48,470,656, plus strand): 5'-CACCAGGGAGCTGATTTTGATGCCAGTGGAGGTCTTACCTGTGCAGTTCCCGCCGCTTCT[G>C]TCCAGTTCGTAGCCTATCTCACACTCACAGCGGAACAGGCCAGGGAGGTTGTGGCAAGTT-3'
Protein context (NP_000129.3, residues 1469-1489): RCECEIGYEL[Asp1479Glu]RSGGNCTDVN